The following is an entry in ClinVar:

ClinVar aggregate classification (germline): Uncertain significance. Review status: criteria provided, multiple submitters, no conflicts (2 of 4 stars). 3 submissions from 3 submitters: Uncertain significance (3). Last evaluated 2025-01-14.

Conditions:
BBS9-related disorder. Also called: BBS9-related condition.
Bardet-Biedl syndrome (BBS). Identifiers: Orphanet 110, MedGen C0752166, MONDO:0015229.

Allele frequency attached by ClinVar (database versions not stated): gnomAD 0.00001; gnomAD exomes 0.00001; ExAC 0.00002; ESP Exome Variant Server 0.00008.
gnomAD v4.1: 4 of 1,613,660 alleles (0.00025%); highest among the groups gnomAD compares: Admixed American, 0.005%; no homozygotes.

Submissions (3):

PreventionGenetics, part of Exact Sciences
Classification: Uncertain significance for BBS9-related condition. Last evaluated: 2025-01-14. Review status: criteria provided, single submitter. Criteria: ACMG Guidelines, 2015. Collection method: clinical testing. Allele origin: germline.
Comment: The BBS9 c.839T>C variant is predicted to result in the amino acid substitution p.Met280Thr. To our knowledge, this variant has not been reported in the literature. This variant is reported in 0.0058% of alleles in individuals of Latino descent in gnomAD. At this time, the clinical significance of this variant is uncertain due to the absence of conclusive functional and genetic evidence.

GeneDx
Classification: Uncertain significance. Last evaluated: 2024-04-01. Review status: criteria provided, single submitter. Criteria: GeneDx Variant Classification Process June 2021. Collection method: clinical testing. Allele origin: germline. Affected: yes.
Comment: In silico analysis supports that this missense variant has a deleterious effect on protein structure/function; Has not been previously published as pathogenic or benign to our knowledge

Labcorp Genetics (formerly Invitae), Labcorp
Classification: Uncertain significance for Bardet-Biedl syndrome. Last evaluated: 2022-06-05. Review status: criteria provided, single submitter. Criteria: Invitae Variant Classification Sherloc (09022015). Collection method: clinical testing. Allele origin: germline.
Comment: This variant has not been reported in the literature in individuals affected with BBS9-related conditions. This variant is present in population databases (rs143119193, gnomAD 0.009%). This sequence change replaces methionine, which is neutral and non-polar, with threonine, which is neutral and polar, at codon 280 of the BBS9 protein (p.Met280Thr). ClinVar contains an entry for this variant (Variation ID: 1516208). In summary, the available evidence is currently insufficient to determine the role of this variant in disease. Therefore, it has been classified as a Variant of Uncertain Significance. Algorithms developed to predict the effect of missense changes on protein structure and function are either unavailable or do not agree on the potential impact of this missense change (SIFT: "Deleterious"; PolyPhen-2: "Benign"; Align-GVGD: "Class C65").

NM_198428.3(BBS9):c.839T>C (p.Met280Thr)

Gene: BBS9 (Bardet-Biedl syndrome 9; plus strand). Cytogenetic location: 7p14.3.
Variant type: single nucleotide variant.
Coding change: c.839T>C on transcript NM_198428.3 (MANE Select); coding-DNA position 839, T replaced by C.
Protein change: p.Met280Thr; replaces methionine 280 with threonine.
Molecular consequence: missense variant. On other transcripts: non-coding transcript variant (3).
Genome position (GRCh38, 1-based): chr7:33,273,148, T>C. VCF-style: chr7-33273148-T-C. GRCh37 (hg19) VCF-style: chr7-33312760-T-C.
Other names: c.839T>C, p.Met280Thr (NM_001033604.2, NM_001033605.2, NM_001348036.1 and 5 more transcripts); c.473T>C, p.Met158Thr (NM_001348037.3, NM_001348044.3, NM_001348045.3 and 1 more transcripts); c.566T>C, p.Met189Thr (NM_001348038.3, NM_001348039.3); c.704T>C, p.Met235Thr (NM_001348042.3); c.839T>C (NM_198428.2); short protein forms M189T, M235T, M280T, M158T.
Identifiers: ClinVar variation 1516208 (VCV001516208.7), dbSNP rs143119193, ClinGen allele CA4214121.